The following is an entry in ClinVar:

ClinVar aggregate classification (germline): Uncertain significance. Review status: criteria provided, multiple submitters, no conflicts (2 of 4 stars). 3 submissions from 3 submitters: Uncertain significance (3). Last evaluated 2026-04-07.

Conditions:
Hereditary sensory neuropathy-deafness-dementia syndrome. Also called: HSN IE; NEUROPATHY, HEREDITARY SENSORY, WITH HEARING LOSS AND DEMENTIA; Hereditary Sensory and Autonomic Neuropathy Type 1E (HSAN1E); Hereditary sensory neuropathy type IE. Identifiers: Orphanet 456318, MedGen C3279885, MONDO:0013584, OMIM 614116.
DNMT1-related disorder. Also called: DNMT1-related condition. Identifiers: MedGen CN381527.

Allele frequency attached by ClinVar (database versions not stated): gnomAD 0.00001; gnomAD exomes 0.00002; TOPMed 0.00003; ExAC 0.00004.
gnomAD v4.1: 25 of 1,613,912 alleles (0.0015%); highest among the groups gnomAD compares: East Asian, 0.013%; no homozygotes.

Submissions (3):

PreventionGenetics, part of Exact Sciences
Classification: Uncertain significance for DNMT1-related condition. Last evaluated: 2026-04-07. Review status: criteria provided, single submitter. Criteria: ACMG Guidelines, 2015. Collection method: clinical testing. Allele origin: germline.
Comment: The DNMT1 c.614C>T variant is predicted to result in the amino acid substitution p.Ser205Leu. To our knowledge, this variant has not been reported in the literature. This variant is reported in 0.0050% of alleles in individuals of East Asian descent in gnomAD. At this time, the clinical significance of this variant is uncertain due to the absence of conclusive functional and genetic evidence.

Labcorp Genetics (formerly Invitae), Labcorp
Classification: Uncertain significance for Hereditary sensory neuropathy-deafness-dementia syndrome. Last evaluated: 2025-09-22. Review status: criteria provided, single submitter. Criteria: Invitae Variant Classification Sherloc (09022015). Collection method: clinical testing. Allele origin: germline.
Comment: This sequence change replaces serine, which is neutral and polar, with leucine, which is neutral and non-polar, at codon 205 of the DNMT1 protein (p.Ser205Leu). This variant is present in population databases (rs781646588, gnomAD 0.005%). This variant has not been reported in the literature in individuals affected with DNMT1-related conditions. ClinVar contains an entry for this variant (Variation ID: 593317). An algorithm developed to predict the effect of missense changes on protein structure and function outputs the following: PolyPhen-2: "Benign". The leucine amino acid residue is found in multiple mammalian species, which suggests that this missense change does not adversely affect protein function. In summary, the available evidence is currently insufficient to determine the role of this variant in disease. Therefore, it has been classified as a Variant of Uncertain Significance.

Eurofins Ntd Llc (ga)
Classification: Uncertain significance. Last evaluated: 2017-07-21. Review status: criteria provided, single submitter. Criteria: EGL Classification Definitions 2015. Collection method: clinical testing. Allele origin: germline. Observed: 2 variant alleles, 2 heterozygotes.

NM_001130823.3(DNMT1):c.614C>T (p.Ser205Leu)

Gene: DNMT1 (DNA methyltransferase 1; minus strand). Cytogenetic location: 19p13.2.
Variant type: single nucleotide variant.
Coding change: c.614C>T on transcript NM_001130823.3 (MANE Select); coding-DNA position 614, C replaced by T.
Protein change: p.Ser205Leu; replaces serine 205 with leucine.
Molecular consequence: missense variant.
Genome position (GRCh38, 1-based): chr19:10,175,574, G>A on the plus strand (C>T on the coding strand, the complement: DNMT1 is on the minus strand). VCF-style: chr19-10175574-G-A. GRCh37 (hg19) VCF-style: chr19-10286250-G-A.
Other names: c.566C>T, p.Ser189Leu (NM_001318730.2, NM_001379.4); c.251C>T, p.Ser84Leu (NM_001318731.2); c.614C>T (NM_001130823.2); short protein forms S205L, S84L, S189L.
Identifiers: ClinVar variation 593317 (VCV000593317.15), dbSNP rs781646588, ClinGen allele CA9188684.
Genomic context (GRCh38, chr19:10,175,574, plus strand): 5'-TCAGGAAATGAAAGCACTGGCCCTACCTGGTCTTTGTCTTCTTCCTTGATGGACTCATCC[G>A]ATTTGGCTCTTTCAGACTCTTCCTGAGGTTTCCGTTTGGCAGGGCTGTCACACACAGTGA-3'
Protein context (NP_001124295.1, residues 195-215): KPQEESERAK[Ser205Leu]DESIKEEDKD